The following is an entry in ClinVar:

NM_014956.5(CEP164):c.3926C>T (p.Thr1309Ile)

Gene: CEP164 (centrosomal protein 164; plus strand). Cytogenetic location: 11q23.3.
Variant type: single nucleotide variant.
Coding change: c.3926C>T on transcript NM_014956.5 (MANE Select); coding-DNA position 3926, C replaced by T.
Protein change: p.Thr1309Ile; replaces threonine 1309 with isoleucine.
Molecular consequence: missense variant.
Genome position (GRCh38, 1-based): chr11:117,409,795, C>T. VCF-style: chr11-117409795-C-T. GRCh37 (hg19) VCF-style: chr11-117280511-C-T.
Other names: c.3911C>T, p.Thr1304Ile (NM_001271933.2); c.3932C>T, p.Thr1311Ile (NM_001440949.1); c.3926C>T, p.Thr1309Ile (NM_001440950.1, NM_001440951.1); c.3917C>T, p.Thr1306Ile (NM_001440952.1); c.3902C>T, p.Thr1301Ile (NM_001440953.1); c.3848C>T, p.Thr1283Ile (NM_001440954.1, NM_001440955.1); c.3839C>T, p.Thr1280Ile (NM_001440956.1); c.3836C>T, p.Thr1279Ile (NM_001440957.1); and 21 more; short protein forms T1164I, T1181I, T1205I, T1226I, T1231I, T1260I, T1263I, T1266I.
Identifiers: ClinVar variation 4989139 (VCV004989139.1).

ClinVar aggregate classification (germline): Uncertain significance (1 of 4 stars; one submission).

Conditions:
CEP164-related disorder. Also called: CEP164-related condition.

gnomAD v4.1: 1 of 1,610,518 alleles (0.000062%); no homozygotes.

Submission:

PreventionGenetics, part of Exact Sciences
Classification: Uncertain significance for CEP164-related condition. Last evaluated: 2025-08-13. Review status: criteria provided, single submitter. Criteria: ACMG Guidelines, 2015. Collection method: clinical testing. Allele origin: germline.
Comment: The CEP164 c.3926C>T variant is predicted to result in the amino acid substitution p.Thr1309Ile. To our knowledge, this variant has not been reported in the literature or in a large population database (gnomAD), indicating this variant is rare. At this time, the clinical significance of this variant is uncertain due to the absence of conclusive functional and genetic evidence.